The following is an entry in ClinVar:

ClinVar aggregate classification (germline): Benign. Review status: criteria provided, multiple submitters, no conflicts (2 of 4 stars). 3 submissions from 3 submitters: Benign (2). 1 of the submissions does not count toward it. Last evaluated 2025-10-23.

Conditions:
FBN3-related disorder. Also called: FBN3-related condition.

Allele frequency attached by ClinVar (database versions not stated): gnomAD exomes 0.00019 and 0.00047; ExAC 0.00059; 1000 Genomes Project 30x 0.00094; 1000 Genomes Project 0.00120; gnomAD 0.00173 and 0.00180; ESP Exome Variant Server 0.00177; TOPMed 0.00184.
gnomAD v4.1: 567 of 1,612,784 alleles (0.035%); highest among the groups gnomAD compares: African/African-American, 0.53%; 1 homozygote.

Submissions (3):

Labcorp Genetics (formerly Invitae), Labcorp
Classification: Benign. Last evaluated: 2025-10-23. Review status: criteria provided, single submitter. Criteria: Invitae Variant Classification Sherloc (09022015). Collection method: clinical testing. Allele origin: germline.

Breakthrough Genomics
Classification: Benign. Review status: criteria provided, single submitter. Criteria: ACMG Guidelines, 2015. Collection method: not provided. Allele origin: germline. Inheritance: Unknown mechanism. Affected: yes.

PreventionGenetics, part of Exact Sciences
Classification: Likely benign for FBN3-related condition. Last evaluated: 2019-03-12. Review status: no assertion criteria provided. Collection method: clinical testing. Allele origin: germline. Not counted in ClinVar's aggregate classification.
Comment: This variant is classified as likely benign based on ACMG/AMP sequence variant interpretation guidelines (Richards et al. 2015 PMID: 25741868, with internal and published modifications).

NM_032447.5(FBN3):c.3171C>T (p.Pro1057=)

Gene: FBN3 (fibrillin 3; minus strand). Cytogenetic location: 19p13.2.
Variant type: single nucleotide variant.
Coding change: c.3171C>T on transcript NM_032447.5 (MANE Select); coding-DNA position 3171, C replaced by T.
Protein change: p.Pro1057=; no amino-acid change (proline 1057 retained).
Molecular consequence: synonymous variant.
Genome position (GRCh38, 1-based): chr19:8,121,298, G>A on the plus strand (C>T on the coding strand, the complement: FBN3 is on the minus strand). VCF-style: chr19-8121298-G-A. GRCh37 (hg19) VCF-style: chr19-8186182-G-A.
Other names: c.3171C>T, p.Pro1057= (NM_001321431.2); c.3171C>T (NM_001321431.1).
Identifiers: ClinVar variation 1598929 (VCV001598929.11), dbSNP rs150661557, ClinGen allele CA9152552.